The following is an entry in ClinVar:

NM_004977.3(KCNC3):c.1957G>T (p.Val653Leu)

Gene: KCNC3 (potassium voltage-gated channel subfamily C member 3; minus strand). Cytogenetic location: 19q13.33.
Variant type: single nucleotide variant.
Coding change: c.1957G>T on transcript NM_004977.3 (MANE Select); coding-DNA position 1957, G replaced by T.
Protein change: p.Val653Leu; replaces valine 653 with leucine.
Molecular consequence: missense variant.
Genome position (GRCh38, 1-based): chr19:50,322,996, C>A on the plus strand (G>T on the coding strand, the complement: KCNC3 is on the minus strand). VCF-style: chr19-50322996-C-A. GRCh37 (hg19) VCF-style: chr19-50826253-C-A.
Other names: c.1729G>T, p.Val577Leu (NM_001372305.1); short protein forms V577L, V653L.
Identifiers: ClinVar variation 2835480 (VCV002835480.3), dbSNP rs2037052302, ClinGen allele CA406949496.

ClinVar aggregate classification (germline): Uncertain significance (1 of 4 stars; one submission).

Allele frequency attached by ClinVar (database versions not stated): TOPMed below 0.00001.

Submission:

Labcorp Genetics (formerly Invitae), Labcorp
Classification: Uncertain significance. Last evaluated: 2025-03-31. Review status: criteria provided, single submitter. Criteria: Invitae Variant Classification Sherloc (09022015). Collection method: clinical testing. Allele origin: germline.
Comment: This sequence change replaces valine, which is neutral and non-polar, with leucine, which is neutral and non-polar, at codon 653 of the KCNC3 protein (p.Val653Leu). This variant is not present in population databases (gnomAD no frequency). This variant has not been reported in the literature in individuals affected with KCNC3-related conditions. ClinVar contains an entry for this variant (Variation ID: 2835480). Invitae Evidence Modeling of protein sequence and biophysical properties (such as structural, functional, and spatial information, amino acid conservation, physicochemical variation, residue mobility, and thermodynamic stability) indicates that this missense variant is not expected to disrupt KCNC3 protein function with a negative predictive value of 95%. In summary, the available evidence is currently insufficient to determine the role of this variant in disease. Therefore, it has been classified as a Variant of Uncertain Significance.